The following is an entry in ClinVar:

ClinVar aggregate classification (germline): Uncertain significance (1 of 4 stars; one submission).

Conditions:
Hereditary cancer-predisposing syndrome. Also called: Neoplastic Syndromes, Hereditary; Tumor predisposition; Hereditary neoplastic syndrome; Hereditary Cancer Syndrome. Identifiers: Orphanet 140162, MedGen C0027672, MeSH D009386, MONDO:0015356.

Submission:

Ambry Genetics
Classification: Uncertain significance for Hereditary cancer-predisposing syndrome. Last evaluated: 2023-01-02. Review status: criteria provided, single submitter. Criteria: Ambry Variant Classification Scheme 2023. Collection method: clinical testing. Allele origin: germline.
Comment: The p.H316R variant (also known as c.947A>G), located in coding exon 10 of the CDC73 gene, results from an A to G substitution at nucleotide position 947. The histidine at codon 316 is replaced by arginine, an amino acid with highly similar properties. This amino acid position is conserved. In addition, the in silico prediction for this alteration is inconclusive. Since supporting evidence is limited at this time, the clinical significance of this alteration remains unclear.

NM_024529.5(CDC73):c.947A>G (p.His316Arg)

Gene: CDC73 (cell division cycle 73; plus strand). Cytogenetic location: 1q31.2.
Variant type: single nucleotide variant.
Coding change: c.947A>G on transcript NM_024529.5 (MANE Select); coding-DNA position 947, A replaced by G.
Protein change: p.His316Arg; replaces histidine 316 with arginine.
Molecular consequence: missense variant.
Genome position (GRCh38, 1-based): chr1:193,152,419, A>G. VCF-style: chr1-193152419-A-G. GRCh37 (hg19) VCF-style: chr1-193121549-A-G.
Other names: short protein forms H316R.
Identifiers: ClinVar variation 2450580 (VCV002450580.2), dbSNP rs2527345619, ClinGen allele CA343965894.